The following is an entry in ClinVar:

NM_006904.7(PRKDC):c.12262A>G (p.Asn4088Asp)

Gene: PRKDC (protein kinase, DNA-activated, catalytic subunit; minus strand). Cytogenetic location: 8q11.21.
Variant type: single nucleotide variant.
Coding change: c.12262A>G on transcript NM_006904.7 (MANE Select); coding-DNA position 12262, A replaced by G.
Protein change: p.Asn4088Asp; replaces asparagine 4088 with aspartic acid.
Molecular consequence: missense variant.
Genome position (GRCh38, 1-based): chr8:47,774,298, T>C on the plus strand (A>G on the coding strand, the complement: PRKDC is on the minus strand). VCF-style: chr8-47774298-T-C. GRCh37 (hg19) VCF-style: chr8-48686859-T-C.
Other names: c.12169A>G, p.Asn4057Asp (NM_001081640.2); short protein forms N4088D, N4057D.
Identifiers: ClinVar variation 1754230 (VCV001754230.2), dbSNP rs2551859147, ClinGen allele CA371126718.

ClinVar aggregate classification (germline): Uncertain significance (1 of 4 stars; one submission).

Submission:

Ambry Genetics
Classification: Uncertain significance. Last evaluated: 2021-07-26. Review status: criteria provided, single submitter. Criteria: Ambry Variant Classification Scheme 2023. Collection method: clinical testing. Allele origin: germline.
Comment: The p.N4088D variant (also known as c.12262A>G), located in coding exon 86 of the PRKDC gene, results from an A to G substitution at nucleotide position 12262. The asparagine at codon 4088 is replaced by aspartic acid, an amino acid with highly similar properties. This amino acid position is conserved. In addition, this alteration is predicted to be tolerated by in silico analysis. Since supporting evidence is limited at this time, the clinical significance of this alteration remains unclear.